The following is an entry in ClinVar:

ClinVar aggregate classification (germline): Pathogenic (1 of 4 stars; one submission).

Submission:

Labcorp Genetics (formerly Invitae), Labcorp
Classification: Pathogenic. Last evaluated: 2022-06-05. Review status: criteria provided, single submitter. Criteria: Invitae Variant Classification Sherloc (09022015). Collection method: clinical testing. Allele origin: germline.
Comment: This sequence change creates a premature translational stop signal (p.Ser571Lysfs*39) in the OPHN1 gene. It is expected to result in an absent or disrupted protein product. Loss-of-function variants in OPHN1 are known to be pathogenic (PMID: 12807966). For these reasons, this variant has been classified as Pathogenic. ClinVar contains an entry for this variant (Variation ID: 1459294). This variant has not been reported in the literature in individuals affected with OPHN1-related conditions. This variant is not present in population databases (gnomAD no frequency).

Literature cited by the submitters: PubMed 12807966.

NM_002547.3(OPHN1):c.1711dup (p.Ser571fs)

Gene: OPHN1 (oligophrenin 1; minus strand). Cytogenetic location: Xq12.
Variant type: Duplication.
Coding change: c.1711dup on transcript NM_002547.3 (MANE Select); coding-DNA position 1711, one base duplicated (A; older notation c.1711dupA).
Protein change: p.Ser571fs; shifts the reading frame from serine 571.
Molecular consequence: frameshift variant.
Genome position (GRCh38, 1-based): chrX:68,073,275, T duplicated on the plus strand (A on the coding strand, the reverse complement: OPHN1 is on the minus strand); the first of 3 consecutive T bases (chrX:68,073,275-68,073,277); duplicating any one gives the same sequence. VCF-style (leftmost placement, unchanged base first): chrX-68073274-C-CT. GRCh37 (hg19) VCF-style: chrX-67293116-C-CT.
Other names: short protein forms S571fs.
Identifiers: ClinVar variation 1459294 (VCV001459294.6), dbSNP rs2147370935, ClinGen allele CA2573159000.
Genomic context (GRCh38, chrX:68,073,274, plus strand): 5'-ATCGTGATTGGTTTGTGCCTTCTTGCTGTCACCCGAGGCGGAGGCACTGGCGGTGCAGCG[C>CT]TTTCCTCAGGTGGACCTAAATAGATCTGTGGAGAAAGAAGGAAGATATCTAGAGAATAAT-3'